The following is an entry in ClinVar:

NM_014946.4(SPAST):c.259_260del (p.Met87fs)

Gene: SPAST (spastin; plus strand). Cytogenetic location: 2p22.3.
Variant type: Deletion.
Coding change: c.259_260del on transcript NM_014946.4 (MANE Select); coding-DNA positions 259 to 260, 2 bases deleted (AT; older notation c.259_260delAT).
Protein change: p.Met87fs; shifts the reading frame from methionine 87.
Molecular consequence: frameshift variant.
Genome position (GRCh38, 1-based): chr2:32,064,090-32,064,091, AT deleted. VCF-style (leftmost placement, unchanged base first): chr2-32064089-CAT-C. GRCh37 (hg19) VCF-style: chr2-32289158-CAT-C.
Other names: c.259_260del, p.Met87fs (NM_001363823.2, NM_001363875.2, NM_001377959.1 and 1 more transcripts); short protein forms M87fs.
Identifiers: ClinVar variation 1455742 (VCV001455742.6), dbSNP rs2148685612, ClinGen allele CA2573134599.

ClinVar aggregate classification (germline): Pathogenic (1 of 4 stars; one submission).

Conditions:
Hereditary spastic paraplegia 4. Also called: Spastic paraplegia 4, autosomal dominant; Spastic Paraplegia 4; Familial spastic paraplegia autosomal dominant 2. Identifiers: Orphanet 100985, MedGen C1866855, MONDO:0008438, OMIM 182601.

Submission:

Labcorp Genetics (formerly Invitae), Labcorp
Classification: Pathogenic for Hereditary spastic paraplegia 4. Last evaluated: 2024-01-31. Review status: criteria provided, single submitter. Criteria: Invitae Variant Classification Sherloc (09022015). Collection method: clinical testing. Allele origin: germline.
Comment: This sequence change creates a premature translational stop signal (p.Met87Glyfs*48) in the SPAST gene. It is expected to result in an absent or disrupted protein product. Loss-of-function variants in SPAST are known to be pathogenic (PMID: 20932283). This variant is not present in population databases (gnomAD no frequency). This variant has not been reported in the literature in individuals affected with SPAST-related conditions. ClinVar contains an entry for this variant (Variation ID: 1455742). For these reasons, this variant has been classified as Pathogenic.

Literature cited by the submitters: PubMed 20932283.